The following is an entry in ClinVar:

ClinVar aggregate classification (germline): Likely benign. Review status: criteria provided, multiple submitters, no conflicts (2 of 4 stars). 8 submissions from 8 submitters: Likely benign (7). 1 of the submissions does not count toward it. Last evaluated 2025-08-09.

Conditions:
Marfan syndrome (MFS). Also called: Marfan syndrome, classic; Marfan syndrome type 1; Marfan's syndrome; MARFAN SYNDROME, TYPE I; FBN1-Related Marfan Syndrome. Identifiers: Orphanet 284963, Orphanet 558, MedGen C0024796, MONDO:0007947, OMIM 154700.
Familial thoracic aortic aneurysm and aortic dissection (TAAD). Also called: Thoracic aortic aneurysms and dissections. Identifiers: Orphanet 91387, MedGen C4707243, MONDO:0019625.
FBN1-related disorder. Also called: FBN1-related disorders.

Allele frequency attached by ClinVar (database versions not stated): TOPMed 0.00001; gnomAD exomes 0.00002; ExAC 0.00002; gnomAD 0.00002 and 0.00003; 1000 Genomes Project 30x 0.00016; 1000 Genomes Project 0.00020.
gnomAD v4.1: 35 of 1,606,542 alleles (0.0022%); highest among the groups gnomAD compares: South Asian, 0.0044%; no homozygotes.

Submissions (8):

Labcorp Genetics (formerly Invitae), Labcorp
Classification: Likely benign for Marfan syndrome; Familial thoracic aortic aneurysm and aortic dissection. Last evaluated: 2025-08-09. Review status: criteria provided, single submitter. Criteria: Invitae Variant Classification Sherloc (09022015). Collection method: clinical testing. Allele origin: germline.

Women's Health and Genetics/Laboratory Corporation of America, LabCorp
Classification: Likely benign. Last evaluated: 2024-12-06. Review status: criteria provided, single submitter. Criteria: LabCorp Variant Classification Summary - May 2015. Collection method: clinical testing. Allele origin: germline.

Blueprint Genetics
Classification: Likely benign. Last evaluated: 2024-06-20. Review status: criteria provided, single submitter. Criteria: ACMG Guidelines, 2015. Collection method: clinical testing. Allele origin: germline.

All of Us Research Program, National Institutes of Health
Classification: Likely benign for Marfan syndrome. Last evaluated: 2023-11-30. Review status: criteria provided, single submitter. Criteria: ACMG Guidelines, 2015. Collection method: clinical testing. Allele origin: germline. Inheritance: Autosomal dominant inheritance. Observed: 4 variant alleles, 4 heterozygotes.
Comment: This study involves interpretation of variants in research participants for the purpose of population health screening. Participant phenotype was not available at the time of variant classification. Additional details can be found in publication PMID: 35346344, PMCID: PMC8962531

ARUP Laboratories, Molecular Genetics and Genomics, ARUP Laboratories
Classification: Likely benign. Last evaluated: 2023-03-01. Review status: criteria provided, single submitter. Criteria: ARUP Molecular Germline Variant Investigation Process 2024. Collection method: clinical testing. Allele origin: germline.

GeneDx
Classification: Likely benign. Last evaluated: 2020-08-28. Review status: criteria provided, single submitter. Criteria: GeneDx Variant Classification Process June 2021. Collection method: clinical testing. Allele origin: germline. Affected: yes.

Color Diagnostics, LLC DBA Color Health
Classification: Likely benign for Familial thoracic aortic aneurysm and aortic dissection. Last evaluated: 2019-01-07. Review status: criteria provided, single submitter. Criteria: ACMG Guidelines, 2015. Collection method: clinical testing. Allele origin: germline.

PreventionGenetics, part of Exact Sciences
Classification: Likely benign for FBN1-related condition. Last evaluated: 2021-08-02. Review status: no assertion criteria provided. Collection method: clinical testing. Allele origin: germline. Not counted in ClinVar's aggregate classification.
Comment: This variant is classified as likely benign based on ACMG/AMP sequence variant interpretation guidelines (Richards et al. 2015 PMID: 25741868, with internal and published modifications).

NM_000138.5(FBN1):c.6387C>T (p.Asp2129=)

Gene: FBN1 (fibrillin 1; minus strand). Cytogenetic location: 15q21.1.
Variant type: single nucleotide variant.
Coding change: c.6387C>T on transcript NM_000138.5 (MANE Select); coding-DNA position 6387, C replaced by T.
Protein change: p.Asp2129=; no amino-acid change (aspartic acid 2129 retained).
Molecular consequence: synonymous variant.
Genome position (GRCh38, 1-based): chr15:48,437,070, G>A on the plus strand (C>T on the coding strand, the complement: FBN1 is on the minus strand). VCF-style: chr15-48437070-G-A. GRCh37 (hg19) VCF-style: chr15-48729267-G-A.
Identifiers: ClinVar variation 383401 (VCV000383401.18), dbSNP rs147342485, ClinGen allele CA056750.